The following is an entry in ClinVar:

GRCh38/hg38 2p16.1-15(chr2:59658846-62336083)x1

Genes: B3GNT2 (UDP-GlcNAc:betaGal beta-1,3-N-acetylglucosaminyltransferase 2; plus strand), BCL11A (BCL11 transcription factor A; minus strand), C2orf74 (chromosome 2 open reading frame 74; plus strand), C2orf74-AS1 (C2orf74 antisense RNA 1; minus strand), C2orf74-DT (C2orf74 divergent transcript; minus strand) and 115 more. Cytogenetic location: 2p16.1-15.
Variant type: copy number loss.
Change: copy number 1 (one copy instead of two) of chr2:59,658,846-62,336,083 (2.68 Mb, GRCh38 coordinates, 1-based), cytogenetic band 2p16.1-15.
Identifiers: ClinVar variation 57148 (VCV000057148.1).

ClinVar aggregate classification (germline): Pathogenic (1 of 4 stars; one submission).

Submission:

ISCA site 4
Classification: Pathogenic. Last evaluated: 2011-08-12. Review status: criteria provided, single submitter. Criteria: Kaminsky et al. (Genet Med. 2011). Collection method: clinical testing. Allele origin: unknown. Affected: yes. Observed: 1 variant allele.
Comment: Copy number variation identified through the course of routine clinical cytogenomic testing in postnatal populations. Clinical assertions have been curated as described in Kaminsky et al. 2011.